The following is an entry in ClinVar:

NM_000153.4(GALC):c.908+270T>A

Gene: GALC (galactosylceramidase; minus strand). Cytogenetic location: 14q31.3.
Variant type: single nucleotide variant.
Coding change: c.908+270T>A on transcript NM_000153.4 (MANE Select); 270 bases into the intron after coding-DNA position 908, T replaced by A.
Molecular consequence: intron variant.
Genome position (GRCh38, 1-based): chr14:87,968,065, A>T on the plus strand (T>A on the coding strand, the complement: GALC is on the minus strand). VCF-style: chr14-87968065-A-T. GRCh37 (hg19) VCF-style: chr14-88434409-A-T.
Other names: NC_000014.8:g.88434409A>T; c.830+270T>A (NM_001201402.2); c.839+270T>A (NM_001201401.2).
Identifiers: ClinVar variation 682662 (VCV000682662.2), dbSNP rs397644, ClinGen allele CA264703706.

ClinVar aggregate classification (germline): Benign (1 of 4 stars; one submission).

Allele frequency attached by ClinVar (database versions not stated): gnomAD 0.95888 and 0.95591; TOPMed 0.95414; 1000 Genomes Project 30x 0.95456; 1000 Genomes Project 0.95707.
gnomAD v4.1: 146,003 of 152,206 alleles (96%); highest among the groups gnomAD compares: East Asian, 100%; 70,326 homozygotes.

Submissions (4):

GeneDx
Classification: Benign. Last evaluated: 2018-06-19. Review status: criteria provided, single submitter. Criteria: GeneDx Variant Classification (06012015). Collection method: clinical testing. Allele origin: germline. Affected: yes.
Comment: This variant is considered likely benign or benign based on one or more of the following criteria: it is a conservative change, it occurs at a poorly conserved position in the protein, it is predicted to be benign by multiple in silico algorithms, and/or has population frequency not consistent with disease.

Dr. Peter K. Rogan Lab, Western University
No classification provided (evidence only). Condition: Uterine corpus endometrial carcinoma. Review status: no classification provided. Collection method: in vitro. Allele origin: not applicable. Functional consequence: retained intron. Not counted in ClinVar's aggregate classification.

Dr. Peter K. Rogan Lab, Western University
No classification provided (evidence only). Condition: Uterine corpus endometrial carcinoma. Review status: no classification provided. Collection method: in vitro. Allele origin: not applicable. Functional consequence: retained intron. Not counted in ClinVar's aggregate classification.

Dr. Peter K. Rogan Lab, Western University
No classification provided (evidence only). Condition: Uterine corpus endometrial carcinoma. Review status: no classification provided. Collection method: in vitro. Allele origin: not applicable. Functional consequence: retained intron. Not counted in ClinVar's aggregate classification.